The following is an entry in ClinVar:

ClinVar aggregate classification (germline): Uncertain significance (1 of 4 stars; one submission).

Submission:

GeneDx
Classification: Uncertain significance. Last evaluated: 2022-04-01. Review status: criteria provided, single submitter. Criteria: GeneDx Variant Classification Process June 2021. Collection method: clinical testing. Allele origin: germline. Affected: yes.
Comment: Not observed at significant frequency in large population cohorts (gnomAD); In silico analysis supports that this missense variant has a deleterious effect on protein structure/function; Has not been previously published as pathogenic or benign to our knowledge; De novo variant with confirmed parentage; however, the reported clinical features are only partially consistent with the features typically observed in individuals with pathogenic variants in this gene; Occurs in the triple helical domain at the X position in the canonical Gly-X-Y repeat; although this variant may have an effect on normal protein folding and function, missense substitution at the X position is not a common mechanism of disease

NM_001846.4(COL4A2):c.1805A>G (p.Asp602Gly)

Gene: COL4A2 (collagen type IV alpha 2 chain; plus strand). Cytogenetic location: 13q34.
Variant type: single nucleotide variant.
Coding change: c.1805A>G on transcript NM_001846.4 (MANE Select); coding-DNA position 1805, A replaced by G.
Protein change: p.Asp602Gly; replaces aspartic acid 602 with glycine.
Molecular consequence: missense variant.
Genome position (GRCh38, 1-based): chr13:110,465,433, A>G. VCF-style: chr13-110465433-A-G. GRCh37 (hg19) VCF-style: chr13-111117780-A-G.
Other names: short protein forms D602G.
Identifiers: ClinVar variation 1707866 (VCV001707866.2), dbSNP rs2502126792, ClinGen allele CA388739255.